The following is an entry in ClinVar:

ClinVar aggregate classification (germline): Pathogenic/Likely pathogenic. Review status: criteria provided, multiple submitters, no conflicts (2 of 4 stars). 6 submissions from 6 submitters: Pathogenic (1); Likely pathogenic (4). 1 of the submissions does not count toward it. Last evaluated 2024-12-09.

Conditions:
HRAS-related disorders.
HRAS-related disorder. Also called: HRAS-related condition.
Myopathy, congenital, with excess of muscle spindles. Identifiers: MedGen C1968782, MONDO:0800299.
Costello syndrome (CSTLO). Also called: FACIOCUTANEOSKELETAL SYNDROME; HRAS-Related Costello Syndrome; FCS SYNDROME. Identifiers: Orphanet 3071, MedGen C0587248, MONDO:0009026, OMIM 218040.

Submissions (6):

3billion
Classification: Likely pathogenic for HRAS-related disorder. Last evaluated: 2024-12-09. Review status: criteria provided, single submitter. Criteria: ACMG Guidelines, 2015. Collection method: clinical testing. Allele origin: germline. Affected: yes.
Comment: The variant is not observed in the gnomAD v4.1.0 dataset. Predicted Consequence/Location: Missense variant. Missense changes are a common disease-causing mechanism. In silico tool predictions suggest damaging effect of the variant on gene or gene product [REVEL: 0.73 (>=0.6, sensitivity 0.68 and specificity 0.92); 3Cnet: 0.99 (>=0.6, sensitivity 0.72 and precision 0.9)]. The same nucleotide change resulting in the same amino acid change has been previously reported as pathogenic/likely pathogenic with strong evidence (ClinVar ID: VCV000012609 /PMID: 17412879). Therefore, this variant is classified as Likely pathogenic according to the recommendation of ACMG/AMP guideline.

Blueprint Genetics
Classification: Pathogenic for HRAS-related disorders. Last evaluated: 2022-11-25. Review status: criteria provided, single submitter. Criteria: ACMG Guidelines, 2015. Collection method: clinical testing. Allele origin: germline. Affected: yes. Observed: 1 variant allele.

Laboratory for Molecular Medicine, Mass General Brigham Personalized Medicine
Classification: Likely pathogenic for Costello syndrome. Last evaluated: 2018-12-06. Review status: criteria provided, single submitter. Criteria: LMM Criteria. Collection method: clinical testing. Allele origin: germline. Inheritance: Autosomal dominant inheritance. Observed: 1 variant allele.
Comment: The p.Gln22Lys variant in HRAS has been reported as de novo in 1 infant with cli nical features of Costello syndrome (Sheffield 2015) and as a de novo variant in 1 toddler with congenital myopathy, transient HCM, hypotonia, low-set ears, and a triangular mouth (van der Burgt 2007). This variant has also been reported in ClinVar (Variation ID# 12609) and was absent from large population databases. C omputational prediction tools and conservation analysis suggest that the p.Gln22 Lys variant may impact the protein, though this information is not predictive en ough to determine pathogenicity. In summary, although additional studies are req uired to fully establish its clinical significance, the p.Gln22Lys variant is li kely pathogenic. ACMG/AMP Criteria applied: PM2, PM6, PP3, PP2.

GeneDx
Classification: Likely pathogenic. Last evaluated: 2015-12-04. Review status: criteria provided, single submitter. Criteria: GeneDx Variant Classification (06012015). Collection method: clinical testing. Allele origin: germline. Affected: yes.
Comment: This variant was reported to have occurred de novo in this individual (van der Burgt et al., 2007). The Q22K variant was not observed in approximately 6,500 individuals of European and African American ancestry in the NHLBI Exome Sequencing Project, indicating it is not a common benign variant in these populations. The Q22K variant is a semi-conservative amino acid substitution, which may impact secondary protein structure as these residues differ in some properties. This substitution occurs at a position that is conserved across species and in silico analysis predicts this variant is probably damaging to the protein structure/function. Furthermore, missense variants in nearby residues (G12S, G12C, G12D, G12V, G12A, G13C, G13D) have been reported in the Human Gene Mutation Database in association with Costello syndrome (Stenson et al., 2014), supporting the functional importance of this region of the protein.Therefore, this variant is likely pathogenic.

Neuberg Centre For Genomic Medicine, NCGM
Classification: Likely pathogenic for Costello syndrome. Review status: criteria provided, single submitter. Criteria: ACMG Guidelines, 2015. Collection method: clinical testing. Allele origin: germline. Inheritance: Autosomal dominant inheritance. Affected: yes.
Comment: The observed missense c.64C>A (p.Gln22Lys) variant in HRAS gene has been reported in individuals affected with HRAS-related disorders (van der Burgt et al., 2007; Sheffield et al., 2015). This variant is absent in gnomAD Exomes. This variant has been submitted to the ClinVar database as Pathogenic / Likely Pathogenic. The amino acid change p.Gln22Lys in HRAS is predicted as conserved by GERP++ and PhyloP across 100 vertebrates. The amino acid Gln at position 22 is changed to a Lys changing protein sequence and it might alter its composition and physico-chemical properties. However, additional functional studies will be required to prove the pathogenicity of this variant. For these reasons, this variant has been classified as Likely Pathogenic.

OMIM
Classification: Pathogenic for MYOPATHY, CONGENITAL, WITH EXCESS OF MUSCLE SPINDLES. Last evaluated: 2007-07-01. Review status: no assertion criteria provided. Collection method: literature only. Allele origin: germline. Not counted in ClinVar's aggregate classification.

Literature cited by the submitters: PubMed 17412879 (cited by 3 submitters); PubMed 25668678 (cited by Laboratory for Molecular Medicine, Mass General Brigham Personalized Medicine).

NM_005343.4(HRAS):c.64C>A (p.Gln22Lys)

Genes: HRAS (HRas proto-oncogene, GTPase; minus strand), LRRC56 (leucine rich repeat containing 56; plus strand). Cytogenetic location: 11p15.5.
Variant type: single nucleotide variant.
Coding change: c.64C>A on transcript NM_005343.4 (MANE Select); coding-DNA position 64, C replaced by A.
Protein change: p.Gln22Lys; replaces glutamine 22 with lysine.
Molecular consequence: missense variant. On other transcripts: 5 prime UTR variant (1).
Genome position (GRCh38, 1-based): chr11:534,259, G>T on the plus strand (C>A on the coding strand, the complement: HRAS is on the minus strand). VCF-style: chr11-534259-G-T. GRCh37 (hg19) VCF-style: chr11-534259-G-T.
Other names: p.Q22K:CAG>AAG; c.64C>A, p.Gln22Lys (NM_001130442.3, NM_176795.5); c.-256C>A (NM_001318054.2); short protein forms Q22K.
Identifiers: ClinVar variation 12609 (VCV000012609.9), dbSNP rs121917757, ClinGen allele CA122553.